The following is an entry in ClinVar:

ClinVar aggregate classification (germline): Uncertain significance (1 of 4 stars; one submission).

Conditions:
MHC class I deficiency. Identifiers: Orphanet 34592, MedGen C6024714, MONDO:0011476.

Allele frequency attached by ClinVar (database versions not stated): gnomAD exomes below 0.00001 and 0.00001; gnomAD 0.00001; TOPMed 0.00002.
gnomAD v4.1: 10 of 1,611,324 alleles (0.00062%); highest among the groups gnomAD compares: Non-Finnish European, 0.00085%; no homozygotes.

Submission:

Labcorp Genetics (formerly Invitae), Labcorp
Classification: Uncertain significance for MHC class I deficiency 1. Last evaluated: 2022-07-28. Review status: criteria provided, single submitter. Criteria: Invitae Variant Classification Sherloc (09022015). Collection method: clinical testing. Allele origin: germline.
Comment: This sequence change falls in intron 5 of the TAP2 gene. It does not directly change the encoded amino acid sequence of the TAP2 protein. This variant is present in population databases (no rsID available, gnomAD 0.0009%). This variant has not been reported in the literature in individuals affected with TAP2-related conditions. ClinVar contains an entry for this variant (Variation ID: 1512820). Algorithms developed to predict the effect of sequence changes on RNA splicing suggest that this variant may create or strengthen a splice site. In summary, the available evidence is currently insufficient to determine the role of this variant in disease. Therefore, it has been classified as a Variant of Uncertain Significance.

NM_001290043.2(TAP2):c.946-10T>A

Gene: TAP2 (transporter 2, ATP binding cassette subfamily B member; minus strand). Cytogenetic location: 6p21.32.
Variant type: single nucleotide variant.
Coding change: c.946-10T>A on transcript NM_001290043.2 (MANE Select); 10 bases into the intron before coding-DNA position 946, T replaced by A.
Molecular consequence: intron variant.
Genome position (GRCh38, 1-based): chr6:32,832,834, A>T on the plus strand (T>A on the coding strand, the complement: TAP2 is on the minus strand). VCF-style: chr6-32832834-A-T. GRCh37 (hg19) VCF-style: chr6-32800611-A-T.
Other names: c.946-10T>A (NM_018833.3).
Identifiers: ClinVar variation 1512820 (VCV001512820.5), dbSNP rs1416072299, ClinGen allele CA566697966.